The following is an entry in ClinVar:

ClinVar aggregate classification (germline): Benign/Likely benign. Review status: criteria provided, multiple submitters, no conflicts (2 of 4 stars). 6 submissions from 6 submitters: Benign (4); Likely benign (2). Last evaluated 2026-01-22.

Conditions:
Ehlers-Danlos syndrome, classic type, 1 (EDSCL1). Also called: Ehlers-Danlos syndrome, type 1; Ehlers-Danlos Syndrome, Classic Type, COL5A1-Related; EDS I; EHLERS-DANLOS SYNDROME, GRAVIS TYPE; EHLERS-DANLOS SYNDROME, SEVERE CLASSIC TYPE. Identifiers: MedGen C0268335, MONDO:0019567, OMIM 130000.
Osteogenesis imperfecta type I (OI1). Also called: Lobstein's Disease; Lobstein disease; OI, TYPE I; OSTEOGENESIS IMPERFECTA TARDA; OSTEOGENESIS IMPERFECTA WITH BLUE SCLERAE; Osteogenesis imperfecta type 1. Identifiers: Orphanet 216796, Orphanet 666, MedGen C0023931, MONDO:0008146, OMIM 166200. Disease mechanism: loss of function.

Allele frequency attached by ClinVar (database versions not stated): gnomAD exomes 0.00033; ExAC 0.00083; ESP Exome Variant Server 0.00172; 1000 Genomes Project 0.00220; gnomAD 0.00227 and 0.00242; TOPMed 0.00262; 1000 Genomes Project 30x 0.00312.
gnomAD v4.1: 438 of 940,144 alleles (0.047%); highest among the groups gnomAD compares: African/African-American, 0.66%; 4 homozygotes.

Submissions (6):

Labcorp Genetics (formerly Invitae), Labcorp
Classification: Benign for Osteogenesis imperfecta type I; Ehlers-Danlos syndrome, classic type, 1. Last evaluated: 2026-01-22. Review status: criteria provided, single submitter. Criteria: Invitae Variant Classification Sherloc (09022015). Collection method: clinical testing. Allele origin: germline.

Athena Diagnostics
Classification: Benign. Last evaluated: 2025-09-18. Review status: criteria provided, single submitter. Criteria: Athena Diagnostics Criteria. Collection method: clinical testing. Allele origin: unknown.
Comment: The frequency of this variant in the general population is higher than would generally be expected for pathogenic variants in this gene.

Blueprint Genetics
Classification: Likely benign. Last evaluated: 2024-11-12. Review status: criteria provided, single submitter. Criteria: ACMG Guidelines, 2015. Collection method: clinical testing. Allele origin: germline.

Mayo Clinic Laboratories, Mayo Clinic
Classification: Benign. Last evaluated: 2024-11-11. Review status: criteria provided, single submitter. Criteria: ACMG Guidelines, 2015. Collection method: clinical testing. Allele origin: germline. Observed: 2 variant alleles.
Comment: BS1, BS2, BP4, BP7

ARUP Laboratories, Molecular Genetics and Genomics, ARUP Laboratories
Classification: Benign. Last evaluated: 2022-04-28. Review status: criteria provided, single submitter. Criteria: ARUP Molecular Germline Variant Investigation Process 2021. Collection method: clinical testing. Allele origin: germline.

GeneDx
Classification: Likely benign. Last evaluated: 2018-05-04. Review status: criteria provided, single submitter. Criteria: GeneDx Variant Classification Process June 2021. Collection method: clinical testing. Allele origin: germline. Affected: yes.

NM_000089.4(COL1A2):c.96+10C>T

Gene: COL1A2 (collagen type I alpha 2 chain; plus strand). Cytogenetic location: 7q21.3.
Variant type: single nucleotide variant.
Coding change: c.96+10C>T on transcript NM_000089.4 (MANE Select); 10 bases into the intron after coding-DNA position 96, C replaced by T.
Molecular consequence: intron variant.
Genome position (GRCh38, 1-based): chr7:94,398,406, C>T. VCF-style: chr7-94398406-C-T. GRCh37 (hg19) VCF-style: chr7-94027718-C-T.
Other names: p.?.
Identifiers: ClinVar variation 388771 (VCV000388771.26), dbSNP rs185341110, ClinGen allele CA4346480.